The following is an entry in ClinVar:

ClinVar aggregate classification (germline): Likely benign (1 of 4 stars; one submission).

gnomAD v4.1: 2 of 1,577,122 alleles (0.00013%); highest among the groups gnomAD compares: East Asian, 0.0046%; no homozygotes.

Submission:

CeGaT Center for Human Genetics Tuebingen
Classification: Likely benign. Last evaluated: 2023-08-01. Review status: criteria provided, single submitter. Criteria: CeGaT Center For Human Genetics Tuebingen Variant Classification Criteria Version 2. Collection method: clinical testing. Allele origin: germline. Affected: yes. Observed: 1 variant allele.
Comment: SHANK1: BP4, BP7

NM_016148.5(SHANK1):c.5088G>T (p.Thr1696=)

Gene: SHANK1 (SH3 and multiple ankyrin repeat domains 1; minus strand). Cytogenetic location: 19q13.33.
Variant type: single nucleotide variant.
Coding change: c.5088G>T on transcript NM_016148.5 (MANE Select); coding-DNA position 5088, G replaced by T.
Protein change: p.Thr1696=; no amino-acid change (threonine 1696 retained).
Molecular consequence: synonymous variant.
Genome position (GRCh38, 1-based): chr19:50,666,872, C>A on the plus strand (G>T on the coding strand, the complement: SHANK1 is on the minus strand). VCF-style: chr19-50666872-C-A. GRCh37 (hg19) VCF-style: chr19-51170129-C-A.
Identifiers: ClinVar variation 2650356 (VCV002650356.24), dbSNP rs758391577, ClinGen allele CA508309441.